The following is an entry in ClinVar:

NM_020366.4(RPGRIP1):c.3251C>T (p.Ser1084Phe)

Gene: RPGRIP1 (RPGR interacting protein 1; plus strand). Cytogenetic location: 14q11.2.
Variant type: single nucleotide variant.
Coding change: c.3251C>T on transcript NM_020366.4 (MANE Select); coding-DNA position 3251, C replaced by T.
Protein change: p.Ser1084Phe; replaces serine 1084 with phenylalanine.
Molecular consequence: missense variant.
Genome position (GRCh38, 1-based): chr14:21,334,617, C>T. VCF-style: chr14-21334617-C-T. GRCh37 (hg19) VCF-style: chr14-21802776-C-T.
Other names: c.1229C>T, p.Ser410Phe (NM_001377523.1, NM_001377950.1); c.2177C>T, p.Ser726Phe (NM_001377948.1); c.1337C>T, p.Ser446Phe (NM_001377949.1); c.734C>T, p.Ser245Phe (NM_001377951.1); short protein forms S1084F, S245F, S410F, S446F, S726F.
Identifiers: ClinVar variation 1008858 (VCV001008858.7), dbSNP rs576011830, ClinGen allele CA7089473.

ClinVar aggregate classification (germline): Uncertain significance. Review status: criteria provided, multiple submitters, no conflicts (2 of 4 stars). 2 submissions from 2 submitters: Uncertain significance (2). Last evaluated 2022-07-06.

Conditions:
Leber congenital amaurosis 6 (LCA6). Identifiers: Orphanet 65, MedGen C1854260, MONDO:0013446, OMIM 613826.
Cone-rod dystrophy 13 (CORD13). Identifiers: Orphanet 1872, MedGen C2750720, MONDO:0011987, OMIM 608194.

Allele frequency attached by ClinVar (database versions not stated): gnomAD below 0.00001 and 0.00005; TOPMed 0.00002; gnomAD exomes 0.00006; ExAC 0.00012; 1000 Genomes Project 0.00060; 1000 Genomes Project 30x 0.00078.
gnomAD v4.1: 68 of 1,606,378 alleles (0.0042%); highest among the groups gnomAD compares: South Asian, 0.068%; 1 homozygote.

Submissions (2):

Labcorp Genetics (formerly Invitae), Labcorp
Classification: Uncertain significance for Leber congenital amaurosis 6; Cone-rod dystrophy 13. Last evaluated: 2022-07-06. Review status: criteria provided, single submitter. Criteria: Invitae Variant Classification Sherloc (09022015). Collection method: clinical testing. Allele origin: germline.
Comment: This sequence change replaces serine, which is neutral and polar, with phenylalanine, which is neutral and non-polar, at codon 1084 of the RPGRIP1 protein (p.Ser1084Phe). This variant is present in population databases (rs576011830, gnomAD 0.05%). This variant has not been reported in the literature in individuals affected with RPGRIP1-related conditions. ClinVar contains an entry for this variant (Variation ID: 1008858). Algorithms developed to predict the effect of missense changes on protein structure and function output the following: SIFT: "Tolerated"; PolyPhen-2: "Benign"; Align-GVGD: "Class C0". The phenylalanine amino acid residue is found in multiple mammalian species, which suggests that this missense change does not adversely affect protein function. In summary, the available evidence is currently insufficient to determine the role of this variant in disease. Therefore, it has been classified as a Variant of Uncertain Significance.

Blueprint Genetics
Classification: Uncertain significance. Last evaluated: 2022-03-11. Review status: criteria provided, single submitter. Criteria: ACMG Guidelines, 2015. Collection method: clinical testing. Allele origin: germline.